The following is an entry in ClinVar:

ClinVar aggregate classification (germline): Pathogenic (1 of 4 stars; one submission).

Conditions:
Alstrom syndrome (ALMS). Identifiers: Orphanet 64, MedGen C0268425, MONDO:0008763, OMIM 203800.

Submission:

Labcorp Genetics (formerly Invitae), Labcorp
Classification: Pathogenic for Alstrom syndrome. Last evaluated: 2025-03-22. Review status: criteria provided, single submitter. Criteria: Invitae Variant Classification Sherloc (09022015). Collection method: clinical testing. Allele origin: germline.
Comment: This sequence change creates a premature translational stop signal (p.Ser1646*) in the ALMS1 gene. It is expected to result in an absent or disrupted protein product. Loss-of-function variants in ALMS1 are known to be pathogenic (PMID: 17594715). This variant is not present in population databases (gnomAD no frequency). This premature translational stop signal has been observed in individual(s) with Alström syndrome (PMID: 15689433). For these reasons, this variant has been classified as Pathogenic.

Literature cited by the submitters: PubMed 17594715; PubMed 15689433.

NM_001378454.1(ALMS1):c.4934C>G (p.Ser1645Ter)

Gene: ALMS1 (ALMS1 centrosome and basal body associated protein; plus strand). Cytogenetic location: 2p13.1.
Variant type: single nucleotide variant.
Coding change: c.4934C>G on transcript NM_001378454.1 (MANE Select); coding-DNA position 4934, C replaced by G.
Protein change: p.Ser1645Ter; replaces serine 1645 with a stop codon.
Molecular consequence: nonsense.
Genome position (GRCh38, 1-based): chr2:73,451,461, C>G. VCF-style: chr2-73451461-C-G. GRCh37 (hg19) VCF-style: chr2-73678588-C-G.
Other names: c.4937C>G, p.Ser1646Ter (NM_015120.4); short protein forms S1645*, S1646*.
Identifiers: ClinVar variation 4711847 (VCV004711847.1).